The following is an entry in ClinVar:

ClinVar aggregate classification (germline): Conflicting classifications of pathogenicity. Review status: criteria provided, conflicting classifications (1 of 4 stars). 4 submissions from 4 submitters: Pathogenic (2); Likely pathogenic (1); Uncertain significance (1). Last evaluated 2026-09-14.

Conditions:
SOX10-related disorder. Also called: SOX10-related condition.
Waardenburg syndrome type 2E (WS2E). Also called: WAARDENBURG SYNDROME, TYPE 2E, WITH OR WITHOUT NEUROLOGIC INVOLVEMENT; WS2E, WITH OR WITHOUT NEUROLOGIC INVOLVEMENT; HYPOGONADOTROPIC HYPOGONADISM WITH ANOSMIA AND DEAFNESS, WITH OR WITHOUT HYPOPIGMENTATION. Identifiers: Orphanet 3440, MedGen C2700405, MONDO:0012698, OMIM 611584.

Submissions (4):

PreventionGenetics, part of Exact Sciences
Classification: Likely pathogenic for SOX10-related condition. Last evaluated: 2026-09-14. Review status: criteria provided, single submitter. Criteria: ACMG Guidelines, 2015. Collection method: clinical testing. Allele origin: germline.
Comment: The SOX10 c.323T>C variant is predicted to result in the amino acid substitution p.Met108Thr. This variant has been reported in one patient with Waardenburg syndrome and two patients with Kallmann syndrome, with in vitro studies indicating this variant leads to loss of function (Pingault et al. 2013. PubMed ID: 23643381; Maione et al. 2016. PubMed ID: 27616149; Wang et al. 2021. PubMed ID: 34142234). This variant has not been reported in a large population database (gnomAD), indicating this variant is rare. This variant is interpreted as likely pathogenic.

GeneDx
Classification: Uncertain significance. Last evaluated: 2025-06-26. Review status: criteria provided, single submitter. Criteria: GeneDx Variant Classification Process June 2021. Collection method: clinical testing. Allele origin: germline. Affected: yes.
Comment: Not observed at significant frequency in large population cohorts (gnomAD); In silico analysis supports that this missense variant has a deleterious effect on protein structure/function; This variant is associated with the following publications: (PMID: 27616149, 32442410, 33442024, 23643381, 34142234)

Labcorp Genetics (formerly Invitae), Labcorp
Classification: Pathogenic. Last evaluated: 2025-02-04. Review status: criteria provided, single submitter. Criteria: Invitae Variant Classification Sherloc (09022015). Collection method: clinical testing. Allele origin: germline.
Comment: This sequence change replaces methionine, which is neutral and non-polar, with threonine, which is neutral and polar, at codon 108 of the SOX10 protein (p.Met108Thr). This variant is not present in population databases (gnomAD no frequency). This missense change has been observed in individuals with clinical features of SOX10-related conditions (PMID: 23643381, 34142234; internal data). ClinVar contains an entry for this variant (Variation ID: 995929). Invitae Evidence Modeling of protein sequence and biophysical properties (such as structural, functional, and spatial information, amino acid conservation, physicochemical variation, residue mobility, and thermodynamic stability) indicates that this missense variant is expected to disrupt SOX10 protein function with a positive predictive value of 95%. Experimental studies have shown that this missense change affects SOX10 function (PMID: 23643381). For these reasons, this variant has been classified as Pathogenic.

Genetic Testing Center for Deafness, Department of Otolaryngology Head & Neck Surgery, Institute of Otolaryngology, Chinese PLA General Hospital
Classification: Pathogenic for Waardenburg syndrome type 2E. Last evaluated: 2019-01-01. Review status: criteria provided, single submitter. Criteria: ACMG Guidelines, 2015. Collection method: clinical testing. Allele origin: inherited. Affected: yes.

Literature cited by the submitters: PubMed 23643381 (cited by Labcorp Genetics (formerly Invitae), Labcorp); PubMed 34142234 (cited by Labcorp Genetics (formerly Invitae), Labcorp).

NM_006941.4(SOX10):c.323T>C (p.Met108Thr)

Genes: POLR2F (RNA polymerase II, I and III subunit F; plus strand), SOX10 (SRY-box transcription factor 10; minus strand). Cytogenetic location: 22q13.1.
Variant type: single nucleotide variant.
Coding change: c.323T>C on transcript NM_006941.4 (MANE Select); coding-DNA position 323, T replaced by C.
Protein change: p.Met108Thr; replaces methionine 108 with threonine.
Molecular consequence: missense variant. On other transcripts: intron variant (3).
Genome position (GRCh38, 1-based): chr22:37,983,462, A>G on the plus strand (T>C on the coding strand, the complement: SOX10 is on the minus strand). VCF-style: chr22-37983462-A-G. GRCh37 (hg19) VCF-style: chr22-38379469-A-G.
Other names: c.*38+11152A>G (NM_001363825.1); c.294-2692A>G (NM_001301130.2); c.293+16292A>G (NM_001301131.2); short protein forms M108T.
Identifiers: ClinVar variation 995929 (VCV000995929.11), dbSNP rs1932464492, ClinGen allele CA411500677.